The following is an entry in ClinVar:

ClinVar aggregate classification (germline): Benign. Review status: criteria provided, multiple submitters, no conflicts (2 of 4 stars). 2 submissions from 2 submitters: Benign (2). Last evaluated 2018-06-14.

Allele frequency attached by ClinVar (database versions not stated): 1000 Genomes Project 0.09704; gnomAD 0.10040 and 0.10088; 1000 Genomes Project 30x 0.10072; TOPMed 0.10765.
gnomAD v4.1: 15,296 of 152,282 alleles (10%); highest among the groups gnomAD compares: Admixed American, 16%; 800 homozygotes.

Submissions (2):

GeneDx
Classification: Benign. Last evaluated: 2018-06-14. Review status: criteria provided, single submitter. Criteria: GeneDx Variant Classification (06012015). Collection method: clinical testing. Allele origin: germline. Affected: yes.
Comment: This variant is considered likely benign or benign based on one or more of the following criteria: it is a conservative change, it occurs at a poorly conserved position in the protein, it is predicted to be benign by multiple in silico algorithms, and/or has population frequency not consistent with disease.

Breakthrough Genomics
Classification: Benign. Review status: criteria provided, single submitter. Criteria: ACMG Guidelines, 2015. Collection method: not provided. Allele origin: germline. Inheritance: Autosomal recessive inheritance. Affected: yes.

NM_002291.3(LAMB1):c.1482+157G>A

Gene: LAMB1 (laminin subunit beta 1; minus strand). Cytogenetic location: 7q31.1.
Variant type: single nucleotide variant.
Coding change: c.1482+157G>A on transcript NM_002291.3 (MANE Select); 157 bases into the intron after coding-DNA position 1482, G replaced by A.
Molecular consequence: intron variant.
Genome position (GRCh38, 1-based): chr7:107,974,829, C>T on the plus strand (G>A on the coding strand, the complement: LAMB1 is on the minus strand). VCF-style: chr7-107974829-C-T. GRCh37 (hg19) VCF-style: chr7-107615274-C-T.
Identifiers: ClinVar variation 682975 (VCV000682975.2), dbSNP rs78508064, ClinGen allele CA12702956.